The following is an entry in ClinVar:

ClinVar aggregate classification (germline): Likely benign. Review status: criteria provided, multiple submitters, no conflicts (2 of 4 stars). 3 submissions from 3 submitters: Likely benign (3). Last evaluated 2026-01-17.

Conditions:
CYP7A1-related disorder. Also called: CYP7A1-related condition.

Allele frequency attached by ClinVar (database versions not stated): ExAC 0.00002; gnomAD exomes 0.00002; TOPMed 0.00002; gnomAD 0.00004.

Submissions (3):

Labcorp Genetics (formerly Invitae), Labcorp
Classification: Likely benign. Last evaluated: 2026-01-17. Review status: criteria provided, single submitter. Criteria: Invitae Variant Classification Sherloc (09022015). Collection method: clinical testing. Allele origin: germline.

PreventionGenetics, part of Exact Sciences
Classification: Likely benign for CYP7A1-related condition. Last evaluated: 2025-02-12. Review status: criteria provided, single submitter. Criteria: ACMG Guidelines, 2015. Collection method: clinical testing. Allele origin: germline.
Comment: This variant is classified as likely benign based on ACMG/AMP sequence variant interpretation guidelines (Richards et al. 2015 PMID: 25741868, with internal and published modifications).

Breakthrough Genomics
Classification: Likely benign. Review status: criteria provided, single submitter. Criteria: ACMG Guidelines, 2015. Collection method: not provided. Allele origin: germline. Inheritance: Unknown mechanism. Affected: yes.

NM_000780.4(CYP7A1):c.453T>C (p.Arg151=)

Gene: CYP7A1 (cytochrome P450 family 7 subfamily A member 1; minus strand). Cytogenetic location: 8q12.1.
Variant type: single nucleotide variant.
Coding change: c.453T>C on transcript NM_000780.4 (MANE Select); coding-DNA position 453, T replaced by C.
Protein change: p.Arg151=; no amino-acid change (arginine 151 retained).
Molecular consequence: synonymous variant.
Genome position (GRCh38, 1-based): chr8:58,497,059, A>G on the plus strand (T>C on the coding strand, the complement: CYP7A1 is on the minus strand). VCF-style: chr8-58497059-A-G. GRCh37 (hg19) VCF-style: chr8-59409618-A-G.
Other names: c.453T>C (NM_000780.3).
Identifiers: ClinVar variation 1588362 (VCV001588362.9), dbSNP rs755702789, ClinGen allele CA4756795.
Genomic context (GRCh38, chr8:58,497,059, plus strand): 5'-CATCCCTTCTGTCACCCAGGCAGCGGTCTTTGAGTTAGAGGAGACTGGAGGTCTCATGAT[A>G]CGTTGGAGGTTTTCCATCATGCTTTCCGTGAGGGAATTCAAGGCATGGCCCTGCAGGGTT-3'
Protein context (NP_000771.2, residues 141-161): LTESMMENLQ[Arg151=]IMRPPVSSNS